The following is an entry in ClinVar:

NM_198060.4(NRAP):c.1527+9C>A

Gene: NRAP (nebulin related anchoring protein; minus strand). Cytogenetic location: 10q25.3.
Variant type: single nucleotide variant.
Coding change: c.1527+9C>A on transcript NM_198060.4 (MANE Select); 9 bases into the intron after coding-DNA position 1527, C replaced by A.
Molecular consequence: intron variant.
Genome position (GRCh38, 1-based): chr10:113,634,103, G>T on the plus strand (C>A on the coding strand, the complement: NRAP is on the minus strand). VCF-style: chr10-113634103-G-T. GRCh37 (hg19) VCF-style: chr10-115393862-G-T.
Other names: c.1422+9C>A (NM_006175.5); c.1527+9C>A (NM_001322945.2, NM_001261463.2, NM_198060.3).
Identifiers: ClinVar variation 733700 (VCV000733700.7), dbSNP rs138969181, ClinGen allele CA5695510.

ClinVar aggregate classification (germline): Benign/Likely benign. Review status: criteria provided, multiple submitters, no conflicts (2 of 4 stars). 4 submissions from 4 submitters: Benign (1); Likely benign (2). 1 of the submissions does not count toward it. Last evaluated 2025-04-09.

Conditions:
NRAP-related disorder. Also called: NRAP-related condition.

Allele frequency attached by ClinVar (database versions not stated): gnomAD 0.00228 and 0.00224; TOPMed 0.00240; 1000 Genomes Project 30x 0.00531; ESP Exome Variant Server 0.00254; 1000 Genomes Project 0.00459; ExAC 0.00085.
gnomAD v4.1: 639 of 1,600,530 alleles (0.04%); highest among the groups gnomAD compares: African/African-American, 0.79%; 3 homozygotes.

Submissions (4):

Molecular Diagnostic Laboratory for Inherited Cardiovascular Disease, Montreal Heart Institute
Classification: Likely benign. Last evaluated: 2025-04-09. Review status: criteria provided, single submitter. Criteria: ACMG Guidelines, 2015. Collection method: clinical testing. Allele origin: germline. Affected: no.

Blueprint Genetics
Classification: Likely benign. Last evaluated: 2024-08-15. Review status: criteria provided, single submitter. Criteria: ACMG Guidelines, 2015. Collection method: clinical testing. Allele origin: germline.

Labcorp Genetics (formerly Invitae), Labcorp
Classification: Benign. Last evaluated: 2018-01-25. Review status: criteria provided, single submitter. Criteria: Invitae Variant Classification Sherloc (09022015). Collection method: clinical testing. Allele origin: germline.

PreventionGenetics, part of Exact Sciences
Classification: Benign for NRAP-related condition. Last evaluated: 2019-08-13. Review status: no assertion criteria provided. Collection method: clinical testing. Allele origin: germline. Not counted in ClinVar's aggregate classification.
Comment: This variant is classified as benign based on ACMG/AMP sequence variant interpretation guidelines (Richards et al. 2015 PMID: 25741868, with internal and published modifications).